The following is an entry in ClinVar:

ClinVar aggregate classification (germline): Uncertain significance (1 of 4 stars; one submission).

Allele frequency attached by ClinVar (database versions not stated): gnomAD exomes below 0.00001 and 0.00001.
gnomAD v4.1: 17 of 1,614,200 alleles (0.0011%); highest among the groups gnomAD compares: Middle Eastern, 0.033%; no homozygotes.

Submission:

Labcorp Genetics (formerly Invitae), Labcorp
Classification: Uncertain significance. Last evaluated: 2025-10-23. Review status: criteria provided, single submitter. Criteria: Invitae Variant Classification Sherloc (09022015). Collection method: clinical testing. Allele origin: germline.
Comment: This sequence change replaces arginine, which is basic and polar, with histidine, which is basic and polar, at codon 714 of the EMC1 protein (p.Arg714His). This variant is not present in population databases (gnomAD no frequency). This variant has not been reported in the literature in individuals affected with EMC1-related conditions. ClinVar contains an entry for this variant (Variation ID: 1467651). Invitae Evidence Modeling of protein sequence and biophysical properties (such as structural, functional, and spatial information, amino acid conservation, physicochemical variation, residue mobility, and thermodynamic stability) indicates that this missense variant is not expected to disrupt EMC1 protein function with a negative predictive value of 80%. In summary, the available evidence is currently insufficient to determine the role of this variant in disease. Therefore, it has been classified as a Variant of Uncertain Significance.

NM_015047.3(EMC1):c.2141G>A (p.Arg714His)

Genes: EMC1 (ER membrane protein complex subunit 1; minus strand), EMC1-AS1 (EMC1 antisense RNA 1; plus strand). Cytogenetic location: 1p36.13.
Variant type: single nucleotide variant.
Coding change: c.2141G>A on transcript NM_015047.3 (MANE Select); coding-DNA position 2141, G replaced by A.
Protein change: p.Arg714His; replaces arginine 714 with histidine.
Molecular consequence: missense variant.
Genome position (GRCh38, 1-based): chr1:19,227,374, C>T on the plus strand (G>A on the coding strand, the complement: EMC1 is on the minus strand). VCF-style: chr1-19227374-C-T. GRCh37 (hg19) VCF-style: chr1-19553868-C-T.
Other names: c.2138G>A, p.Arg713His (NM_001271427.2, NM_001271428.2); c.2075G>A, p.Arg692His (NM_001271429.2); c.2150G>A, p.Arg717His (NM_001375820.1); c.2147G>A, p.Arg716His (NM_001375821.1); short protein forms R692H, R714H, R717H, R713H, R716H.
Identifiers: ClinVar variation 1467651 (VCV001467651.6), dbSNP rs896315803, ClinGen allele CA18813069.
Genomic context (GRCh38, chr1:19,227,374, plus strand): 5'-TTGTAGAGCACACTGCGGTCCCCCATCACACGGCCCTGGGAATGAACGTGCTCACTGCTG[C>T]GTTTCCCCTTCACCTTGACGATCCGCTGTACTTCTGGGGGAATGGTCAGCTCCCAACTCA-3'
Protein context (NP_055862.1, residues 704-724): VQRIVKVKGK[Arg714His]SSEHVHSQGR